The following is an entry in ClinVar:

NM_015021.3(ZNF292):c.5440T>G (p.Ser1814Ala)

Gene: ZNF292 (zinc finger protein 292; plus strand). Cytogenetic location: 6q14.3.
Variant type: single nucleotide variant.
Coding change: c.5440T>G on transcript NM_015021.3 (MANE Select); coding-DNA position 5440, T replaced by G.
Protein change: p.Ser1814Ala; replaces serine 1814 with alanine.
Molecular consequence: missense variant.
Genome position (GRCh38, 1-based): chr6:87,259,069, T>G. VCF-style: chr6-87259069-T-G. GRCh37 (hg19) VCF-style: chr6-87968787-T-G.
Other names: c.5020T>G, p.Ser1674Ala (NM_001351444.2); short protein forms S1674A, S1814A.
Identifiers: ClinVar variation 3365503 (VCV003365503.1).

ClinVar aggregate classification (germline): Uncertain significance (1 of 4 stars; one submission).

Submission:

GeneDx
Classification: Uncertain significance. Last evaluated: 2023-12-13. Review status: criteria provided, single submitter. Criteria: GeneDx Variant Classification Process June 2021. Collection method: clinical testing. Allele origin: germline. Affected: yes.
Comment: Not observed at significant frequency in large population cohorts (gnomAD); In silico analysis supports that this missense variant does not alter protein structure/function; Has not been previously published as pathogenic or benign to our knowledge